The following is an entry in ClinVar:

ClinVar aggregate classification (germline): Uncertain significance (1 of 4 stars; one submission).

gnomAD v4.1: 6 of 1,600,360 alleles (0.00037%); highest among the groups gnomAD compares: Non-Finnish European, 0.00051%; no homozygotes.

Submission:

GeneDx
Classification: Uncertain significance. Last evaluated: 2021-12-09. Review status: criteria provided, single submitter. Criteria: GeneDx Variant Classification Process June 2021. Collection method: clinical testing. Allele origin: germline. Affected: yes.
Comment: Not observed at significant frequency in large population cohorts (gnomAD); In silico analysis supports that this missense variant has a deleterious effect on protein structure/function; Has not been previously published as pathogenic or benign to our knowledge

NM_003394.4(WNT10B):c.343C>G (p.Arg115Gly)

Gene: WNT10B (Wnt family member 10B; minus strand). Cytogenetic location: 12q13.12.
Variant type: single nucleotide variant.
Coding change: c.343C>G on transcript NM_003394.4 (MANE Select); coding-DNA position 343, C replaced by G.
Protein change: p.Arg115Gly; replaces arginine 115 with glycine.
Molecular consequence: missense variant.
Genome position (GRCh38, 1-based): chr12:48,968,314, G>C on the plus strand (C>G on the coding strand, the complement: WNT10B is on the minus strand). VCF-style: chr12-48968314-G-C. GRCh37 (hg19) VCF-style: chr12-49362097-G-C.
Other names: short protein forms R115G.
Identifiers: ClinVar variation 1696948 (VCV001696948.2), dbSNP rs775699954, ClinGen allele CA236628309.